The following is an entry in ClinVar:

ClinVar aggregate classification (germline): Likely benign. Review status: criteria provided, multiple submitters, no conflicts (2 of 4 stars). 2 submissions from 2 submitters: Likely benign (2). Last evaluated 2026-05-01.

Conditions:
Inborn genetic diseases. Identifiers: MedGen C0950123, MeSH D030342.

Allele frequency attached by ClinVar (database versions not stated): gnomAD 0.00005; TOPMed 0.00006; gnomAD exomes 0.00025; ExAC 0.00032; 1000 Genomes Project 0.00040; 1000 Genomes Project 30x 0.00047.
gnomAD v4.1: 318 of 1,448,454 alleles (0.022%); highest among the groups gnomAD compares: Non-Finnish European, 0.027%; no homozygotes.

Submissions (2):

CeGaT Center for Human Genetics Tuebingen
Classification: Likely benign. Last evaluated: 2026-05-01. Review status: criteria provided, single submitter. Criteria: CeGaT Center For Human Genetics Tuebingen Variant Classification Criteria Version 2. Collection method: clinical testing. Allele origin: germline. Affected: yes. Observed: 2 variant alleles.
Comment: MAST3: BS2

Ambry Genetics
Classification: Likely benign for Inborn genetic diseases. Last evaluated: 2022-10-05. Review status: criteria provided, single submitter. Criteria: Ambry Variant Classification Scheme 2023. Collection method: clinical testing. Allele origin: germline.

NM_001393504.1(MAST3):c.3713G>A (p.Arg1238His)

Gene: MAST3 (microtubule associated serine/threonine kinase 3; plus strand). Cytogenetic location: 19p13.11.
Variant type: single nucleotide variant.
Coding change: c.3713G>A on transcript NM_001393504.1 (MANE Select); coding-DNA position 3713, G replaced by A.
Protein change: p.Arg1238His; replaces arginine 1238 with histidine.
Molecular consequence: missense variant.
Genome position (GRCh38, 1-based): chr19:18,149,395, G>A. VCF-style: chr19-18149395-G-A. GRCh37 (hg19) VCF-style: chr19-18260205-G-A.
Other names: c.3713G>A, p.Arg1238His (NM_001393503.1); c.3626G>A, p.Arg1209His (NM_001393514.1); c.3623G>A, p.Arg1208His (NM_001393515.1); c.3620G>A, p.Arg1207His (NM_001393516.1); c.3617G>A, p.Arg1206His (NM_001393517.1, NM_001393518.1); c.3614G>A, p.Arg1205His (NM_001393519.1); c.3596G>A, p.Arg1199His (NM_001393520.1); c.3572G>A, p.Arg1191His (NM_001393521.1); and 9 more; short protein forms R1191H, R1200H, R1207H, R1215H, R1209H, R1213H, R1214H, R1216H.
Identifiers: ClinVar variation 2364585 (VCV002364585.24), dbSNP rs548701638, ClinGen allele CA9306540.